The following is an entry in ClinVar:

ClinVar aggregate classification (germline): Uncertain significance. Review status: criteria provided, multiple submitters, no conflicts (2 of 4 stars). 2 submissions from 2 submitters: Uncertain significance (2). Last evaluated 2026-08-10.

Conditions:
Multiple endocrine neoplasia, type 1 (MEN1). Also called: MEN I; WERMER SYNDROME; Endocrine adenomatosis multiple; MEN 1; MEA I. Identifiers: Orphanet 652, MedGen C0025267, MeSH D018761, MONDO:0007540, OMIM 131100.
Hereditary cancer-predisposing syndrome. Also called: Hereditary neoplastic syndrome; Hereditary Cancer Syndrome; Neoplastic Syndromes, Hereditary; Tumor predisposition. Identifiers: Orphanet 140162, MedGen C0027672, MeSH D009386, MONDO:0015356.

Submissions (2):

Ambry Genetics
Classification: Uncertain significance for Hereditary cancer-predisposing syndrome. Last evaluated: 2026-08-10. Review status: criteria provided, single submitter. Criteria: Ambry Variant Classification Scheme 2023. Collection method: clinical testing. Allele origin: germline.
Comment: The p.V441M variant (also known as c.1321G>A), located in coding exon 8 of the MEN1 gene, results from a G to A substitution at nucleotide position 1321. The valine at codon 441 is replaced by methionine, an amino acid with highly similar properties. This amino acid position is highly conserved in available vertebrate species. In addition, this alteration is predicted to be deleterious by in silico analysis. Based on the available evidence, the clinical significance of this variant remains unclear.

Labcorp Genetics (formerly Invitae), Labcorp
Classification: Uncertain significance for Multiple endocrine neoplasia, type 1. Last evaluated: 2025-08-06. Review status: criteria provided, single submitter. Criteria: Invitae Variant Classification Sherloc (09022015). Collection method: clinical testing. Allele origin: germline.
Comment: This sequence change replaces valine, which is neutral and non-polar, with methionine, which is neutral and non-polar, at codon 441 of the MEN1 protein (p.Val441Met). This variant is not present in population databases (gnomAD no frequency). This variant has not been reported in the literature in individuals affected with MEN1-related conditions. ClinVar contains an entry for this variant (Variation ID: 2624637). Invitae Evidence Modeling of protein sequence and biophysical properties (such as structural, functional, and spatial information, amino acid conservation, physicochemical variation, residue mobility, and thermodynamic stability) indicates that this missense variant is expected to disrupt MEN1 protein function with a positive predictive value of 95%. In summary, the available evidence is currently insufficient to determine the role of this variant in disease. Therefore, it has been classified as a Variant of Uncertain Significance.

NM_001370259.2(MEN1):c.1321G>A (p.Val441Met)

Gene: MEN1 (menin 1; minus strand). Cytogenetic location: 11q13.1.
Variant type: single nucleotide variant.
Coding change: c.1321G>A on transcript NM_001370259.2 (MANE Select); coding-DNA position 1321, G replaced by A.
Protein change: p.Val441Met; replaces valine 441 with methionine.
Molecular consequence: missense variant. On other transcripts: non-coding transcript variant (4), intron variant (1).
Genome position (GRCh38, 1-based): chr11:64,805,063, C>T on the plus strand (G>A on the coding strand, the complement: MEN1 is on the minus strand). VCF-style: chr11-64805063-C-T. GRCh37 (hg19) VCF-style: chr11-64572535-C-T.
Other names: c.1336G>A, p.Val446Met (NM_000244.4, NM_001407145.1, NM_130800.3 and 4 more transcripts); c.1447G>A, p.Val483Met (NM_001370251.2, NM_001407142.1, NM_001407143.1 and 1 more transcripts); c.1321G>A, p.Val441Met (NM_001370260.2, NM_001370261.2, NM_001407146.1 and 2 more transcripts); c.1216G>A, p.Val406Met (NM_001370262.2, NM_001370263.2, NM_001407148.1 and 1 more transcripts); c.1462G>A, p.Val488Met (NM_001407150.1); c.1342G>A, p.Val448Met (NM_001407151.1); c.1186-247G>A (NM_001407152.1); short protein forms V406M, V483M, V441M, V448M, V488M, V446M.
Identifiers: ClinVar variation 2624637 (VCV002624637.6), dbSNP rs2497141778, ClinGen allele CA381180176.